The following is an entry in ClinVar:

NM_000059.4(BRCA2):c.8560T>C (p.Tyr2854His)

Gene: BRCA2 (BRCA2 DNA repair associated; plus strand). Cytogenetic location: 13q13.1.
Variant type: single nucleotide variant.
Coding change: c.8560T>C on transcript NM_000059.4 (MANE Select); coding-DNA position 8560, T replaced by C.
Protein change: p.Tyr2854His; replaces tyrosine 2854 with histidine.
Molecular consequence: missense variant.
Genome position (GRCh38, 1-based): chr13:32,371,028, T>C. VCF-style: chr13-32371028-T-C. GRCh37 (hg19) VCF-style: chr13-32945165-T-C.
Other names: c.8464T>C, p.Tyr2822His (NM_001406719.1); c.8560T>C, p.Tyr2854His (NM_001406720.1); c.3628T>C, p.Tyr1210His (NM_001406721.1); c.2143T>C, p.Tyr715His (NM_001406722.1); short protein forms Y715H, Y1210H, Y2854H, Y2822H.
Identifiers: ClinVar variation 1763871 (VCV001763871.9), dbSNP rs2137600401, ClinGen allele CA387752797.

ClinVar aggregate classification (germline): Conflicting classifications of pathogenicity. Review status: criteria provided, conflicting classifications (1 of 4 stars). 3 submissions from 3 submitters: Uncertain significance (2); Likely benign (1). Last evaluated 2025-05-16.

Conditions:
Hereditary cancer. Identifiers: MedGen C1333600.
Hereditary cancer-predisposing syndrome. Also called: Neoplastic Syndromes, Hereditary; Tumor predisposition; Hereditary Cancer Syndrome; Hereditary neoplastic syndrome. Identifiers: Orphanet 140162, MedGen C0027672, MeSH D009386, MONDO:0015356.
Hereditary breast ovarian cancer syndrome. Also called: Hereditary breast and ovarian cancer; Hereditary breast and ovarian cancer syndrome (HBOC); BRCA1- and BRCA2-Associated Hereditary Breast and Ovarian Cancer; Breast and ovarian cancer; Hereditary breast and/or ovarian cancer syndrome; Hereditary breast and ovarian cancer syndrome. Identifiers: Orphanet 145, MedGen C0677776, MeSH D061325, MONDO:0003582. Disease mechanism: loss of function.

Submissions (3):

Ambry Genetics
Classification: Likely benign for Hereditary cancer-predisposing syndrome. Last evaluated: 2025-05-16. Review status: criteria provided, single submitter. Criteria: Ambry Variant Classification Scheme 2023. Collection method: clinical testing. Allele origin: germline.

Mendelics
Classification: Uncertain significance for Hereditary cancer. Last evaluated: 2024-08-12. Review status: criteria provided, single submitter. Criteria: ACMG Guidelines, 2015. Collection method: clinical testing. Allele origin: unknown.

Labcorp Genetics (formerly Invitae), Labcorp
Classification: Uncertain significance for Hereditary breast ovarian cancer syndrome. Last evaluated: 2022-07-07. Review status: criteria provided, single submitter. Criteria: Invitae Variant Classification Sherloc (09022015). Collection method: clinical testing. Allele origin: germline.
Comment: In summary, the available evidence is currently insufficient to determine the role of this variant in disease. Therefore, it has been classified as a Variant of Uncertain Significance. Advanced modeling of protein sequence and biophysical properties (such as structural, functional, and spatial information, amino acid conservation, physicochemical variation, residue mobility, and thermodynamic stability) performed at Invitae indicates that this missense variant is not expected to disrupt BRCA2 protein function. This variant has not been reported in the literature in individuals affected with BRCA2-related conditions. This variant is not present in population databases (gnomAD no frequency). This sequence change replaces tyrosine, which is neutral and polar, with histidine, which is basic and polar, at codon 2854 of the BRCA2 protein (p.Tyr2854His).